The following is an entry in ClinVar:

ClinVar aggregate classification (germline): Likely benign. Review status: criteria provided, multiple submitters, no conflicts (2 of 4 stars). 2 submissions from 2 submitters: Likely benign (2). Last evaluated 2025-03-31.

gnomAD v4.1: 4 of 1,547,144 alleles (0.00026%); highest among the groups gnomAD compares: Non-Finnish European, 0.00026%; no homozygotes.

Submissions (2):

Mayo Clinic Laboratories, Mayo Clinic
Classification: Likely benign. Last evaluated: 2025-03-31. Review status: criteria provided, single submitter. Criteria: ACMG Guidelines, 2015. Collection method: clinical testing. Allele origin: germline. Observed: 1 variant allele.
Comment: BP4, BP7

Labcorp Genetics (formerly Invitae), Labcorp
Classification: Likely benign. Last evaluated: 2024-11-11. Review status: criteria provided, single submitter. Criteria: Invitae Variant Classification Sherloc (09022015). Collection method: clinical testing. Allele origin: germline.

NM_001367624.2(ZNF469):c.9291G>C (p.Gly3097=)

Gene: ZNF469 (zinc finger protein 469; plus strand). Cytogenetic location: 16q24.2.
Variant type: single nucleotide variant.
Coding change: c.9291G>C on transcript NM_001367624.2 (MANE Select); coding-DNA position 9291, G replaced by C.
Protein change: p.Gly3097=; no amino-acid change (glycine 3097 retained).
Molecular consequence: synonymous variant.
Genome position (GRCh38, 1-based): chr16:88,436,761, G>C. VCF-style: chr16-88436761-G-C. GRCh37 (hg19) VCF-style: chr16-88503169-G-C.
Other names: p.Gly3097=.
Identifiers: ClinVar variation 2959689 (VCV002959689.4), dbSNP rs918963104, ClinGen allele CA286385265.
Genomic context (GRCh38, chr16:88,436,761, plus strand): 5'-CTTCGAGGGCACGGCGAGCTCACAGGGGCCACAGAGCCGAAGGACAGAGGAGGCTGCAGG[G>C]GCAGGGAGGGCCCAAGGCAGAGGCCGGCCGGCCAAGGGCAGGCGGGCCTCCTACAAGTGC-3'
Protein context (NP_001354553.1, residues 3087-3107): PQSRRTEEAA[Gly3097=]AGRAQGRGRP